The following is an entry in ClinVar:

NM_001032382.2(PQBP1):c.790C>G (p.Gln264Glu)

Gene: PQBP1 (polyglutamine binding protein 1; plus strand). Cytogenetic location: Xp11.23.
Variant type: single nucleotide variant.
Coding change: c.790C>G on transcript NM_001032382.2 (MANE Select); coding-DNA position 790, C replaced by G.
Protein change: p.Gln264Glu; replaces glutamine 264 with glutamic acid.
Molecular consequence: missense variant.
Genome position (GRCh38, 1-based): chrX:48,903,076, C>G. VCF-style: chrX-48903076-C-G. GRCh37 (hg19) VCF-style: chrX-48760353-C-G.
Other names: c.790C>G, p.Gln264Glu (NM_001032381.2, NM_001032383.2, NM_001032384.1 and 1 more transcripts); c.787C>G, p.Gln263Glu (NM_001167989.2); c.766C>G, p.Gln256Glu (NM_001167990.2); c.490C>G, p.Gln164Glu (NM_001167992.1); c.505C>G, p.Gln169Glu (NM_144495.3); short protein forms Q164E, Q256E, Q263E, Q169E, Q264E.
Identifiers: ClinVar variation 3726476 (VCV003726476.2).

ClinVar aggregate classification (germline): Uncertain significance (1 of 4 stars; one submission).

Submission:

Labcorp Genetics (formerly Invitae), Labcorp
Classification: Uncertain significance. Last evaluated: 2025-01-23. Review status: criteria provided, single submitter. Criteria: Invitae Variant Classification Sherloc (09022015). Collection method: clinical testing. Allele origin: germline.
Comment: This sequence change replaces glutamine, which is neutral and polar, with glutamic acid, which is acidic and polar, at codon 264 of the PQBP1 protein (p.Gln264Glu). This variant is not present in population databases (gnomAD no frequency). This variant has not been reported in the literature in individuals affected with PQBP1-related conditions. An algorithm developed to predict the effect of missense changes on protein structure and function (PolyPhen-2) suggests that this variant is likely to be tolerated. In summary, the available evidence is currently insufficient to determine the role of this variant in disease. Therefore, it has been classified as a Variant of Uncertain Significance.